The following is an entry in ClinVar:

ClinVar aggregate classification (germline): Uncertain significance. Review status: criteria provided, multiple submitters, no conflicts (2 of 4 stars). 2 submissions from 2 submitters: Uncertain significance (2). Last evaluated 2022-05-19.

Conditions:
Diastrophic dysplasia (DTD). Also called: Diastrophic dwarfism. Identifiers: Orphanet 628, MedGen C0220726, MONDO:0009107, OMIM 222600.
Atelosteogenesis type II (AO2). Also called: NEONATAL OSSEOUS DYSPLASIA I; Neonatal osseous dysplasia 1; SLC26A2-Related Atelosteogenesis. Identifiers: Orphanet 56304, MedGen C1850554, MONDO:0009727, OMIM 256050.
Multiple epiphyseal dysplasia type 4 (EDM4). Also called: Multiple Epiphyseal Dysplasia, Recessive; MULTIPLE EPIPHYSEAL DYSPLASIA WITH BILAYERED PATELLAE; MULTIPLE EPIPHYSEAL DYSPLASIA WITH CLUBFOOT; MULTIPLE EPIPHYSEAL DYSPLASIA, AUTOSOMAL RECESSIVE; SLC26A2-Related Multiple Epiphyseal Dysplasia. Identifiers: Orphanet 93307, MedGen C1847593, MONDO:0009189, OMIM 226900.
Achondrogenesis, type IB (ACG1B). Also called: Achondrogenesis Type 1B. Identifiers: Orphanet 932, Orphanet 93298, MedGen C0265274, MONDO:0010966, OMIM 600972.

Allele frequency attached by ClinVar (database versions not stated): ExAC 0.00002; TOPMed 0.00003; gnomAD 0.00004; ESP Exome Variant Server 0.00015.

Submissions (2):

Labcorp Genetics (formerly Invitae), Labcorp
Classification: Uncertain significance for Atelosteogenesis type II; Multiple epiphyseal dysplasia type 4; Achondrogenesis, type IB; Diastrophic dysplasia. Last evaluated: 2022-05-19. Review status: criteria provided, single submitter. Criteria: Invitae Variant Classification Sherloc (09022015). Collection method: clinical testing. Allele origin: germline.
Comment: This sequence change replaces valine, which is neutral and non-polar, with isoleucine, which is neutral and non-polar, at codon 398 of the SLC26A2 protein (p.Val398Ile). This variant is present in population databases (rs374310335, gnomAD 0.006%). This variant has not been reported in the literature in individuals affected with SLC26A2-related conditions. Advanced modeling of protein sequence and biophysical properties (such as structural, functional, and spatial information, amino acid conservation, physicochemical variation, residue mobility, and thermodynamic stability) performed at Invitae indicates that this missense variant is not expected to disrupt SLC26A2 protein function. In summary, the available evidence is currently insufficient to determine the role of this variant in disease. Therefore, it has been classified as a Variant of Uncertain Significance.

Department of Pathology and Laboratory Medicine, Sinai Health System
Classification: Uncertain significance for Diastrophic dysplasia; Multiple epiphyseal dysplasia type 4; Atelosteogenesis type II; Achondrogenesis, type IB. Last evaluated: 2021-07-30. Review status: criteria provided, single submitter. Criteria: ACMG Guidelines, 2015. Collection method: research. Allele origin: germline.

NM_000112.4(SLC26A2):c.1192G>A (p.Val398Ile)

Gene: SLC26A2 (solute carrier family 26 member 2; plus strand). Cytogenetic location: 5q32.
Variant type: single nucleotide variant.
Coding change: c.1192G>A on transcript NM_000112.4 (MANE Select); coding-DNA position 1192, G replaced by A.
Protein change: p.Val398Ile; replaces valine 398 with isoleucine.
Molecular consequence: missense variant.
Genome position (GRCh38, 1-based): chr5:149,980,785, G>A. VCF-style: chr5-149980785-G-A. GRCh37 (hg19) VCF-style: chr5-149360348-G-A.
Other names: short protein forms V398I.
Identifiers: ClinVar variation 1424999 (VCV001424999.6), dbSNP rs374310335, ClinGen allele CA3505402.